The following is an entry in ClinVar:

ClinVar aggregate classification (germline): Uncertain significance (1 of 4 stars; one submission).

Conditions:
Kabuki syndrome. Also called: Kabuki make-up syndrome; NIIKAWA-KUROKI SYNDROME. Identifiers: Orphanet 2322, MedGen C0796004, MONDO:0016512.

Submission:

Labcorp Genetics (formerly Invitae), Labcorp
Classification: Uncertain significance for Kabuki syndrome. Last evaluated: 2022-05-15. Review status: criteria provided, single submitter. Criteria: Invitae Variant Classification Sherloc (09022015). Collection method: clinical testing. Allele origin: germline.
Comment: In summary, the available evidence is currently insufficient to determine the role of this variant in disease. Therefore, it has been classified as a Variant of Uncertain Significance. Advanced modeling of protein sequence and biophysical properties (such as structural, functional, and spatial information, amino acid conservation, physicochemical variation, residue mobility, and thermodynamic stability) performed at Invitae indicates that this missense variant is not expected to disrupt KMT2D protein function. This variant has not been reported in the literature in individuals affected with KMT2D-related conditions. This variant is not present in population databases (gnomAD no frequency). This sequence change replaces alanine, which is neutral and non-polar, with valine, which is neutral and non-polar, at codon 3544 of the KMT2D protein (p.Ala3544Val).

NM_003482.4(KMT2D):c.10631C>T (p.Ala3544Val)

Gene: KMT2D (lysine methyltransferase 2D; minus strand). Cytogenetic location: 12q13.12.
Variant type: single nucleotide variant.
Coding change: c.10631C>T on transcript NM_003482.4 (MANE Select); coding-DNA position 10631, C replaced by T.
Protein change: p.Ala3544Val; replaces alanine 3544 with valine.
Molecular consequence: missense variant.
Genome position (GRCh38, 1-based): chr12:49,034,176, G>A on the plus strand (C>T on the coding strand, the complement: KMT2D is on the minus strand). VCF-style: chr12-49034176-G-A. GRCh37 (hg19) VCF-style: chr12-49427959-G-A.
Other names: short protein forms A3544V.
Identifiers: ClinVar variation 1994725 (VCV001994725.4), dbSNP rs2120453348, ClinGen allele CA384727837.
Genomic context (GRCh38, chr12:49,034,176, plus strand): 5'-AGCTTCTCAGCATCAGCTTCTGGGAACTCACGGCCAGCTTTTTTGGCAGTGCGCTGCTTG[G>A]CACACAGAGCCTTCCGGGACTTGCGGTGTACACCAATCTGCTCCTCTAGCACCTTCAGCT-3'
Protein context (NP_003473.3, residues 3534-3554): VHRKSRKALC[Ala3544Val]KQRTAKKAGR